The following is an entry in ClinVar:

NM_033118.4(MYLK2):c.160G>A (p.Ala54Thr)

Gene: MYLK2 (myosin light chain kinase 2; plus strand). Cytogenetic location: 20q11.21.
Variant type: single nucleotide variant.
Coding change: c.160G>A on transcript NM_033118.4 (MANE Select); coding-DNA position 160, G replaced by A.
Protein change: p.Ala54Thr; replaces alanine 54 with threonine.
Molecular consequence: missense variant.
Genome position (GRCh38, 1-based): chr20:31,820,233, G>A. VCF-style: chr20-31820233-G-A. GRCh37 (hg19) VCF-style: chr20-30408036-G-A.
Other names: short protein forms A54T.
Identifiers: ClinVar variation 3345882 (VCV003345882.1).

ClinVar aggregate classification (germline): Uncertain significance (0 of 4 stars; one submission).

Conditions:
MYLK2-related disorder. Also called: MYLK2-related condition.

Submission:

PreventionGenetics, part of Exact Sciences
Classification: Uncertain significance for MYLK2-related condition. Last evaluated: 2024-08-21. Review status: no assertion criteria provided. Collection method: clinical testing. Allele origin: germline.
Comment: The MYLK2 c.160G>A variant is predicted to result in the amino acid substitution p.Ala54Thr. To our knowledge, this variant has not been reported in the literature or in a large population database, indicating this variant is rare. At this time, the clinical significance of this variant is uncertain due to the absence of conclusive functional and genetic evidence.